The following is an entry in ClinVar:

ClinVar aggregate classification (germline): Uncertain significance. Review status: criteria provided, multiple submitters, no conflicts (2 of 4 stars). 2 submissions from 2 submitters: Uncertain significance (2). Last evaluated 2025-08-30.

Conditions:
Inborn genetic diseases. Identifiers: MedGen C0950123, MeSH D030342.

Allele frequency attached by ClinVar (database versions not stated): gnomAD exomes 0.00003; TOPMed 0.00003; gnomAD 0.00005; ExAC 0.00009.
gnomAD v4.1: 56 of 1,612,792 alleles (0.0035%); highest among the groups gnomAD compares: Admixed American, 0.028%; no homozygotes.

Submissions (2):

Ambry Genetics
Classification: Uncertain significance for Inborn genetic diseases. Last evaluated: 2025-08-30. Review status: criteria provided, single submitter. Criteria: Ambry Variant Classification Scheme 2023. Collection method: clinical testing. Allele origin: germline.

Labcorp Genetics (formerly Invitae), Labcorp
Classification: Uncertain significance. Last evaluated: 2022-04-20. Review status: criteria provided, single submitter. Criteria: Invitae Variant Classification Sherloc (09022015). Collection method: clinical testing. Allele origin: germline.
Comment: This sequence change replaces arginine, which is basic and polar, with tryptophan, which is neutral and slightly polar, at codon 607 of the UBE3B protein (p.Arg607Trp). This variant is present in population databases (rs751045596, gnomAD 0.04%). This variant has not been reported in the literature in individuals affected with UBE3B-related conditions. Algorithms developed to predict the effect of missense changes on protein structure and function are either unavailable or do not agree on the potential impact of this missense change (SIFT: "Deleterious"; PolyPhen-2: "Probably Damaging"; Align-GVGD: "Class C0"). In summary, the available evidence is currently insufficient to determine the role of this variant in disease. Therefore, it has been classified as a Variant of Uncertain Significance.

NM_130466.4(UBE3B):c.1819C>T (p.Arg607Trp)

Gene: UBE3B (ubiquitin protein ligase E3B; plus strand). Cytogenetic location: 12q24.11.
Variant type: single nucleotide variant.
Coding change: c.1819C>T on transcript NM_130466.4 (MANE Select); coding-DNA position 1819, C replaced by T.
Protein change: p.Arg607Trp; replaces arginine 607 with tryptophan.
Molecular consequence: missense variant.
Genome position (GRCh38, 1-based): chr12:109,510,421, C>T. VCF-style: chr12-109510421-C-T. GRCh37 (hg19) VCF-style: chr12-109948226-C-T.
Other names: c.1819C>T (NM_130466.2); c.1819C>T, p.Arg607Trp (NM_183415.3); short protein forms R607W.
Identifiers: ClinVar variation 2415905 (VCV002415905.7), dbSNP rs751045596, ClinGen allele CA6777988.